The following is an entry in ClinVar:

ClinVar aggregate classification (germline): Uncertain significance. Review status: criteria provided, multiple submitters, no conflicts (2 of 4 stars). 2 submissions from 2 submitters: Uncertain significance (2). Last evaluated 2023-06-15.

Conditions:
DICER1-related tumor predisposition. Also called: DICER1 syndrome; DICER1-related pleuropulmonary blastoma cancer predisposition syndrome. Identifiers: Orphanet 284343, MedGen C3839822, MONDO:0100216.
Hereditary cancer-predisposing syndrome. Also called: Neoplastic Syndromes, Hereditary; Hereditary Cancer Syndrome; Tumor predisposition; Hereditary neoplastic syndrome. Identifiers: Orphanet 140162, MedGen C0027672, MeSH D009386, MONDO:0015356.

Submissions (2):

Labcorp Genetics (formerly Invitae), Labcorp
Classification: Uncertain significance for DICER1-related tumor predisposition. Last evaluated: 2023-06-15. Review status: criteria provided, single submitter. Criteria: Invitae Variant Classification Sherloc (09022015). Collection method: clinical testing. Allele origin: germline.
Comment: This sequence change replaces alanine, which is neutral and non-polar, with threonine, which is neutral and polar, at codon 1914 of the DICER1 protein (p.Ala1914Thr). This variant is not present in population databases (gnomAD no frequency). This variant has not been reported in the literature in individuals affected with DICER1-related conditions. An algorithm developed to predict the effect of missense changes on protein structure and function (PolyPhen-2) suggests that this variant is likely to be disruptive. In summary, the available evidence is currently insufficient to determine the role of this variant in disease. Therefore, it has been classified as a Variant of Uncertain Significance.

Ambry Genetics
Classification: Uncertain significance for Hereditary cancer-predisposing syndrome. Last evaluated: 2023-04-27. Review status: criteria provided, single submitter. Criteria: Ambry Variant Classification Scheme 2023. Collection method: clinical testing. Allele origin: germline.
Comment: The p.A1914T variant (also known as c.5740G>A), located in coding exon 26 of the DICER1 gene, results from a G to A substitution at nucleotide position 5740. The alanine at codon 1914 is replaced by threonine, an amino acid with similar properties. This amino acid position is conserved. In addition, the in silico prediction for this alteration is inconclusive. Since supporting evidence is limited at this time, the clinical significance of this alteration remains unclear.

NM_177438.3(DICER1):c.5740G>A (p.Ala1914Thr)

Gene: DICER1 (dicer 1, ribonuclease III; minus strand). Cytogenetic location: 14q32.13.
Variant type: single nucleotide variant.
Coding change: c.5740G>A on transcript NM_177438.3 (MANE Select); coding-DNA position 5740, G replaced by A.
Protein change: p.Ala1914Thr; replaces alanine 1914 with threonine.
Molecular consequence: missense variant. On other transcripts: 3 prime UTR variant (1), non-coding transcript variant (6).
Genome position (GRCh38, 1-based): chr14:95,090,527, C>T on the plus strand (G>A on the coding strand, the complement: DICER1 is on the minus strand). VCF-style: chr14-95090527-C-T. GRCh37 (hg19) VCF-style: chr14-95556864-C-T.
Other names: c.*87G>A (NM_001195573.1); c.5740G>A, p.Ala1914Thr (NM_001271282.3, NM_001291628.2, NM_001395677.1 and 8 more transcripts); c.5458G>A, p.Ala1820Thr (NM_001395686.1); c.5335G>A, p.Ala1779Thr (NM_001395687.1, NM_001395688.1, NM_001395689.1 and 1 more transcripts); c.5173G>A, p.Ala1725Thr (NM_001395691.1); c.4057G>A, p.Ala1353Thr (NM_001395697.1); short protein forms A1725T, A1820T, A1353T, A1914T, A1779T.
Identifiers: ClinVar variation 2566172 (VCV002566172.5), dbSNP rs2139765544, ClinGen allele CA390862969.